The following is an entry in ClinVar:

NM_020937.4(FANCM):c.1416del (p.Lys473fs)

Gene: FANCM (FA complementation group M; plus strand). Cytogenetic location: 14q21.2.
Variant type: Deletion.
Coding change: c.1416del on transcript NM_020937.4 (MANE Select); coding-DNA position 1416, one base deleted (G; older notation c.1416delG).
Protein change: p.Lys473fs; shifts the reading frame from lysine 473.
Molecular consequence: frameshift variant.
Genome position (GRCh38, 1-based): chr14:45,159,115, G deleted. VCF-style (leftmost placement, unchanged base first): chr14-45159114-AG-A. GRCh37 (hg19) VCF-style: chr14-45628317-AG-A.
Other names: c.1338del, p.Lys447fs (NM_001308133.2); c.1416del, p.Lys473fs (NM_001308134.2); short protein forms K447fs, K473fs.
Identifiers: ClinVar variation 524050 (VCV000524050.2), dbSNP rs1555361990, ClinGen allele CA658798210.

ClinVar aggregate classification (germline): Likely pathogenic (1 of 4 stars; one submission).

Submission:

GeneDx
Classification: Likely pathogenic. Last evaluated: 2018-03-26. Review status: criteria provided, single submitter. Criteria: GeneDx Variant Classification (06012015). Collection method: clinical testing. Allele origin: germline. Affected: yes.
Comment: The c.1416delG variant in the FANCM gene has not been reported previously as a pathogenic variant nor as a benign variant, to our knowledge. The c.1416delG variant causes a frameshift starting with codon Lysine 473, changes this amino acid to an Asparagine residue, and creates a premature Stop codon at position 8 of the new reading frame, denoted p.Lys473AsnfsX8. This variant is predicted to cause loss of normal protein function either through protein truncation or nonsense-mediated mRNA decay. The c.1416delG variant is not observed in large population cohorts (Lek et al., 2016). We interpret c.1416delG as a likely pathogenic variant.